The following is an entry in ClinVar:

NM_001378778.1(MPDZ):c.1946G>A (p.Cys649Tyr)

Gene: MPDZ (multiple PDZ domain crumbs cell polarity complex component; minus strand). Cytogenetic location: 9p23.
Variant type: single nucleotide variant.
Coding change: c.1946G>A on transcript NM_001378778.1 (MANE Select); coding-DNA position 1946, G replaced by A.
Protein change: p.Cys649Tyr; replaces cysteine 649 with tyrosine.
Molecular consequence: missense variant.
Genome position (GRCh38, 1-based): chr9:13,192,153, C>T on the plus strand (G>A on the coding strand, the complement: MPDZ is on the minus strand). VCF-style: chr9-13192153-C-T. GRCh37 (hg19) VCF-style: chr9-13192152-C-T.
Other names: c.1946G>A, p.Cys649Tyr (NM_001261406.2, NM_001261407.2, NM_001330637.2 and 14 more transcripts); short protein forms C649Y.
Identifiers: ClinVar variation 1488586 (VCV001488586.5), dbSNP rs377294494, ClinGen allele CA4987629.

ClinVar aggregate classification (germline): Uncertain significance (1 of 4 stars; one submission).

Allele frequency attached by ClinVar (database versions not stated): ESP Exome Variant Server 0.00008; gnomAD exomes below 0.00001; TOPMed below 0.00001; ExAC 0.00001.

Submission:

Labcorp Genetics (formerly Invitae), Labcorp
Classification: Uncertain significance. Last evaluated: 2022-02-03. Review status: criteria provided, single submitter. Criteria: Invitae Variant Classification Sherloc (09022015). Collection method: clinical testing. Allele origin: germline.
Comment: This sequence change replaces cysteine, which is neutral and slightly polar, with tyrosine, which is neutral and polar, at codon 649 of the MPDZ protein (p.Cys649Tyr). The frequency data for this variant in the population databases is considered unreliable, as metrics indicate poor data quality at this position in the gnomAD database. This variant has not been reported in the literature in individuals affected with MPDZ-related conditions. Algorithms developed to predict the effect of missense changes on protein structure and function (SIFT, PolyPhen-2, Align-GVGD) all suggest that this variant is likely to be tolerated. In summary, the available evidence is currently insufficient to determine the role of this variant in disease. Therefore, it has been classified as a Variant of Uncertain Significance.